The following is an entry in ClinVar:

ClinVar aggregate classification (germline): Likely benign. Review status: criteria provided, multiple submitters, no conflicts (2 of 4 stars). 2 submissions from 2 submitters: Likely benign (2). Last evaluated 2025-11-27.

Allele frequency attached by ClinVar (database versions not stated): TOPMed 0.00001.
gnomAD v4.1: 6 of 1,614,144 alleles (0.00037%); highest among the groups gnomAD compares: Non-Finnish European, 0.00051%; no homozygotes.

Submissions (2):

Labcorp Genetics (formerly Invitae), Labcorp
Classification: Likely benign. Last evaluated: 2025-11-27. Review status: criteria provided, single submitter. Criteria: Invitae Variant Classification Sherloc (09022015). Collection method: clinical testing. Allele origin: germline.

CeGaT Center for Human Genetics Tuebingen
Classification: Likely benign. Last evaluated: 2022-12-01. Review status: criteria provided, single submitter. Criteria: CeGaT Center For Human Genetics Tuebingen Variant Classification Criteria Version 2. Collection method: clinical testing. Allele origin: germline. Affected: yes. Observed: 1 variant allele.
Comment: ALPK3: BP4, BP7

NM_020778.5(ALPK3):c.3924A>G (p.Thr1308=)

Gene: ALPK3 (alpha kinase 3; plus strand). Cytogenetic location: 15q25.3.
Variant type: single nucleotide variant.
Coding change: c.3924A>G on transcript NM_020778.5 (MANE Select); coding-DNA position 3924, A replaced by G.
Protein change: p.Thr1308=; no amino-acid change (threonine 1308 retained).
Molecular consequence: synonymous variant.
Genome position (GRCh38, 1-based): chr15:84,859,349, A>G. VCF-style: chr15-84859349-A-G. GRCh37 (hg19) VCF-style: chr15-85402580-A-G.
Identifiers: ClinVar variation 1879303 (VCV001879303.34), dbSNP rs778445522, ClinGen allele CA7709761.